The following is an entry in ClinVar:

NM_020964.3(EPG5):c.5322del (p.Trp1774fs)

Gene: EPG5 (ectopic P-granules 5 autophagy tethering factor; minus strand). Cytogenetic location: 18q12.3.
Variant type: Deletion.
Coding change: c.5322del on transcript NM_020964.3 (MANE Select); coding-DNA position 5322, one base deleted (G; older notation c.5322delG).
Protein change: p.Trp1774fs; shifts the reading frame from tryptophan 1774.
Molecular consequence: frameshift variant.
Genome position (GRCh38, 1-based): chr18:45,882,470, C deleted on the plus strand (G on the coding strand, the reverse complement: EPG5 is on the minus strand); the first of 2 consecutive C bases (chr18:45,882,470-45,882,471); deleting either gives the same sequence. VCF-style (leftmost placement, unchanged base first): chr18-45882469-AC-A. GRCh37 (hg19) VCF-style: chr18-43462434-AC-A.
Other names: c.5322del, p.Trp1774fs (NM_001410858.1, NM_001410859.1); short protein forms W1774fs.
Identifiers: ClinVar variation 2693661 (VCV002693661.3), dbSNP rs2511593392, ClinGen allele CA2697555416.
Genomic context (GRCh38, chr18:45,882,469, plus strand): 5'-CCAAGTGAATGGACTCCAGAAGCCTGGTACGATCAGACAGAGGAGGTTTAGTGGCGCTTA[AC>A]CATTGTTTAAGATCGAACTAAAAAGAAAAAGAAACAAAAAGCCGTTTTATTTGCACTAGA-3'

ClinVar aggregate classification (germline): Pathogenic (1 of 4 stars; one submission).

Conditions:
Vici syndrome (VICIS). Identifiers: Orphanet 1493, MedGen C1855772, MONDO:0009452, OMIM 242840.

Submission:

Labcorp Genetics (formerly Invitae), Labcorp
Classification: Pathogenic for Vici syndrome. Last evaluated: 2023-11-06. Review status: criteria provided, single submitter. Criteria: Invitae Variant Classification Sherloc (09022015). Collection method: clinical testing. Allele origin: germline.
Comment: This sequence change creates a premature translational stop signal (p.Trp1774Cysfs*2) in the EPG5 gene. It is expected to result in an absent or disrupted protein product. Loss-of-function variants in EPG5 are known to be pathogenic (PMID: 23222957, 23674064). This variant is not present in population databases (gnomAD no frequency). This variant has not been reported in the literature in individuals affected with EPG5-related conditions. For these reasons, this variant has been classified as Pathogenic.

Literature cited by the submitters: PubMed 23222957; PubMed 23674064.